The following is an entry in ClinVar:

ClinVar aggregate classification (germline): Uncertain significance (1 of 4 stars; one submission).

Allele frequency attached by ClinVar (database versions not stated): gnomAD exomes below 0.00001.
gnomAD v4.1: 3 of 1,614,022 alleles (0.00019%); highest among the groups gnomAD compares: Non-Finnish European, 0.00025%; no homozygotes.

Submission:

Ambry Genetics
Classification: Uncertain significance. Last evaluated: 2022-06-27. Review status: criteria provided, single submitter. Criteria: Ambry Variant Classification Scheme 2023. Collection method: clinical testing. Allele origin: germline.
Comment: The p.F100V variant (also known as c.298T>G), located in coding exon 3 of the NQO1 gene, results from a T to G substitution at nucleotide position 298. The phenylalanine at codon 100 is replaced by valine, an amino acid with highly similar properties. This amino acid position is conserved. In addition, the in silico prediction for this alteration is inconclusive. Since supporting evidence is limited at this time, the clinical significance of this alteration remains unclear.

NM_000903.3(NQO1):c.298T>G (p.Phe100Val)

Gene: NQO1 (NAD(P)H quinone dehydrogenase 1; minus strand). Cytogenetic location: 16q22.1.
Variant type: single nucleotide variant.
Coding change: c.298T>G on transcript NM_000903.3 (MANE Select); coding-DNA position 298, T replaced by G.
Protein change: p.Phe100Val; replaces phenylalanine 100 with valine.
Molecular consequence: missense variant.
Genome position (GRCh38, 1-based): chr16:69,718,128, A>C on the plus strand (T>G on the coding strand, the complement: NQO1 is on the minus strand). VCF-style: chr16-69718128-A-C. GRCh37 (hg19) VCF-style: chr16-69752031-A-C.
Other names: c.298T>G, p.Phe100Val (NM_001025433.2, NM_001025434.2, NM_001286137.2); short protein forms F100V.
Identifiers: ClinVar variation 1798511 (VCV001798511.2), dbSNP rs1273530099, ClinGen allele CA396489713.